The following is an entry in ClinVar:

ClinVar aggregate classification (germline): Uncertain significance (1 of 4 stars; one submission).

Allele frequency attached by ClinVar (database versions not stated): TOPMed 0.00001.

Submission:

Labcorp Genetics (formerly Invitae), Labcorp
Classification: Uncertain significance. Last evaluated: 2025-03-03. Review status: criteria provided, single submitter. Criteria: Invitae Variant Classification Sherloc (09022015). Collection method: clinical testing. Allele origin: germline.
Comment: This sequence change replaces glutamic acid, which is acidic and polar, with glutamine, which is neutral and polar, at codon 1076 of the C2CD3 protein (p.Glu1076Gln). This variant is not present in population databases (gnomAD no frequency). This variant has not been reported in the literature in individuals affected with C2CD3-related conditions. ClinVar contains an entry for this variant (Variation ID: 2113816). An algorithm developed to predict the effect of missense changes on protein structure and function outputs the following: PolyPhen-2: "Benign". The glutamine amino acid residue is found in multiple mammalian species, which suggests that this missense change does not adversely affect protein function. In summary, the available evidence is currently insufficient to determine the role of this variant in disease. Therefore, it has been classified as a Variant of Uncertain Significance.

NM_001286577.2(C2CD3):c.3226G>C (p.Glu1076Gln)

Gene: C2CD3 (C2 domain containing 3 centriole elongation regulator; minus strand). Cytogenetic location: 11q13.4.
Variant type: single nucleotide variant.
Coding change: c.3226G>C on transcript NM_001286577.2 (MANE Select); coding-DNA position 3226, G replaced by C.
Protein change: p.Glu1076Gln; replaces glutamic acid 1076 with glutamine.
Molecular consequence: missense variant.
Genome position (GRCh38, 1-based): chr11:74,093,934, C>G on the plus strand (G>C on the coding strand, the complement: C2CD3 is on the minus strand). VCF-style: chr11-74093934-C-G. GRCh37 (hg19) VCF-style: chr11-73804979-C-G.
Other names: c.3226G>C, p.Glu1076Gln (NM_015531.6); short protein forms E1076Q.
Identifiers: ClinVar variation 2113816 (VCV002113816.4), dbSNP rs1956002965, ClinGen allele CA381826522.
Genomic context (GRCh38, chr11:74,093,934, plus strand): 5'-CACTTAGTAGGAGCCTTTGCACTGGAACCTCAGCTGGCAACAGGAGAGAGTGATGGTGTT[C>G]ACTATTAAAGATGGGATCTGGAACACAGAGTGTGGTTGCAGTTCTGAAGGGCTTCAGAGT-3'
Protein context (NP_001273506.1, residues 1066-1086): LCVPDPIFNS[Glu1076Gln]HHHSLLLPAE